The following is an entry in ClinVar:

NM_000271.5(NPC1):c.2200A>T (p.Ser734Cys)

Gene: NPC1 (NPC intracellular cholesterol transporter 1; minus strand). Cytogenetic location: 18q11.2.
Variant type: single nucleotide variant.
Coding change: c.2200A>T on transcript NM_000271.5 (MANE Select); coding-DNA position 2200, A replaced by T.
Protein change: p.Ser734Cys; replaces serine 734 with cysteine.
Molecular consequence: missense variant.
Genome position (GRCh38, 1-based): chr18:23,543,500, T>A on the plus strand (A>T on the coding strand, the complement: NPC1 is on the minus strand). VCF-style: chr18-23543500-T-A. GRCh37 (hg19) VCF-style: chr18-21123464-T-A.
Other names: short protein forms S734C.
Identifiers: ClinVar variation 2853460 (VCV002853460.3), dbSNP rs2145394815, ClinGen allele CA401770821.

ClinVar aggregate classification (germline): Likely pathogenic (1 of 4 stars; one submission).

Conditions:
Niemann-Pick disease, type C1. Also called: NEUROVISCERAL STORAGE DISEASE WITH VERTICAL SUPRANUCLEAR OPHTHALMOPLEGIA; NIEMANN-PICK DISEASE WITH CHOLESTEROL ESTERIFICATION BLOCK; NIEMANN-PICK DISEASE WITHOUT SPHINGOMYELINASE DEFICIENCY; NIEMANN-PICK DISEASE, CHRONIC NEURONOPATHIC FORM; NIEMANN-PICK DISEASE, VARIANT TYPE C1. Identifiers: Orphanet 646, MedGen C3179455, MONDO:0009757, OMIM 257220.

Submission:

Labcorp Genetics (formerly Invitae), Labcorp
Classification: Likely pathogenic for Niemann-Pick disease, type C1. Last evaluated: 2023-04-07. Review status: criteria provided, single submitter. Criteria: Invitae Variant Classification Sherloc (09022015). Collection method: clinical testing. Allele origin: germline.
Comment: In summary, the currently available evidence indicates that the variant is pathogenic, but additional data are needed to prove that conclusively. Therefore, this variant has been classified as Likely Pathogenic. This variant disrupts the p.Ser734 amino acid residue in NPC1. Other variant(s) that disrupt this residue have been determined to be pathogenic (PMID: 12955717, 20718790, 23433426, 26666848). This suggests that this residue is clinically significant, and that variants that disrupt this residue are likely to be disease-causing. Advanced modeling of protein sequence and biophysical properties (such as structural, functional, and spatial information, amino acid conservation, physicochemical variation, residue mobility, and thermodynamic stability) performed at Invitae indicates that this missense variant is expected to disrupt NPC1 protein function. This variant has not been reported in the literature in individuals affected with NPC1-related conditions. This variant is not present in population databases (gnomAD no frequency). This sequence change replaces serine, which is neutral and polar, with cysteine, which is neutral and slightly polar, at codon 734 of the NPC1 protein (p.Ser734Cys).

Literature cited by the submitters: PubMed 12955717; PubMed 20718790; PubMed 23433426; PubMed 26666848.